The following is an entry in ClinVar:

NM_153026.3(PRICKLE1):c.625C>T (p.Arg209Cys)

Gene: PRICKLE1 (prickle planar cell polarity protein 1; minus strand). Cytogenetic location: 12q12.
Variant type: single nucleotide variant.
Coding change: c.625C>T on transcript NM_153026.3 (MANE Select); coding-DNA position 625, C replaced by T.
Protein change: p.Arg209Cys; replaces arginine 209 with cysteine.
Molecular consequence: missense variant.
Genome position (GRCh38, 1-based): chr12:42,466,344, G>A on the plus strand (C>T on the coding strand, the complement: PRICKLE1 is on the minus strand). VCF-style: chr12-42466344-G-A. GRCh37 (hg19) VCF-style: chr12-42860146-G-A.
Other names: c.625C>T, p.Arg209Cys (NM_001144881.2, NM_001144882.2, NM_001144883.2); short protein forms R209C.
Identifiers: ClinVar variation 469514 (VCV000469514.10), dbSNP rs777944504, ClinGen allele CA6519871.

ClinVar aggregate classification (germline): Uncertain significance. Review status: criteria provided, multiple submitters, no conflicts (2 of 4 stars). 3 submissions from 3 submitters: Uncertain significance (3). Last evaluated 2024-10-01.

Conditions:
Epilepsy, progressive myoclonic, 1B. Also called: PME. Identifiers: Orphanet 308, MedGen C2676254, MONDO:0012904, OMIM 612437.

Allele frequency attached by ClinVar (database versions not stated): gnomAD 0.00003 and 0.00004; TOPMed 0.00009.

Submissions (3):

Blueprint Genetics
Classification: Uncertain significance. Last evaluated: 2024-10-01. Review status: criteria provided, single submitter. Criteria: ACMG Guidelines, 2015. Collection method: clinical testing. Allele origin: germline.

Ambry Genetics
Classification: Uncertain significance. Last evaluated: 2023-12-22. Review status: criteria provided, single submitter. Criteria: Ambry Variant Classification Scheme 2023. Collection method: clinical testing. Allele origin: germline.

Labcorp Genetics (formerly Invitae), Labcorp
Classification: Uncertain significance for Epilepsy, progressive myoclonic, 1B. Last evaluated: 2022-08-31. Review status: criteria provided, single submitter. Criteria: Invitae Variant Classification Sherloc (09022015). Collection method: clinical testing. Allele origin: germline.
Comment: This sequence change replaces arginine, which is basic and polar, with cysteine, which is neutral and slightly polar, at codon 209 of the PRICKLE1 protein (p.Arg209Cys). This variant is present in population databases (rs777944504, gnomAD 0.002%). This variant has not been reported in the literature in individuals affected with PRICKLE1-related conditions. ClinVar contains an entry for this variant (Variation ID: 469514). Algorithms developed to predict the effect of missense changes on protein structure and function (SIFT, PolyPhen-2, Align-GVGD) all suggest that this variant is likely to be disruptive. In summary, the available evidence is currently insufficient to determine the role of this variant in disease. Therefore, it has been classified as a Variant of Uncertain Significance.